The following is an entry in ClinVar:

NM_031907.3(USP26):c.924A>G (p.Ala308=)

Gene: USP26 (ubiquitin specific peptidase 26; minus strand). Cytogenetic location: Xq26.2.
Variant type: single nucleotide variant.
Coding change: c.924A>G on transcript NM_031907.3 (MANE Select); coding-DNA position 924, A replaced by G.
Protein change: p.Ala308=; no amino-acid change (alanine 308 retained).
Molecular consequence: synonymous variant.
Genome position (GRCh38, 1-based): chrX:133,027,297, T>C on the plus strand (A>G on the coding strand, the complement: USP26 is on the minus strand). VCF-style: chrX-133027297-T-C. GRCh37 (hg19) VCF-style: chrX-132161325-T-C.
Identifiers: ClinVar variation 2661461 (VCV002661461.24), dbSNP rs2524103871, ClinGen allele CA518850785.

ClinVar aggregate classification (germline): Likely benign (1 of 4 stars; one submission).

Allele frequency attached by ClinVar (database versions not stated): gnomAD exomes below 0.00001.
gnomAD v4.1: 2 of 1,211,160 alleles (0.00017%); highest among the groups gnomAD compares: Non-Finnish European, 0.00022%; no homozygotes.

Submission:

CeGaT Center for Human Genetics Tuebingen
Classification: Likely benign. Last evaluated: 2023-03-01. Review status: criteria provided, single submitter. Criteria: CeGaT Center For Human Genetics Tuebingen Variant Classification Criteria Version 2. Collection method: clinical testing. Allele origin: germline. Affected: yes. Observed: 1 variant allele.
Comment: USP26: PM2:Supporting, BP4, BP7